The following is an entry in ClinVar:

NM_014251.3(SLC25A13):c.1544A>T (p.Asp515Val)

Gene: SLC25A13 (solute carrier family 25 member 13; minus strand). Cytogenetic location: 7q21.3.
Variant type: single nucleotide variant.
Coding change: c.1544A>T on transcript NM_014251.3 (MANE Select); coding-DNA position 1544, A replaced by T.
Protein change: p.Asp515Val; replaces aspartic acid 515 with valine.
Molecular consequence: missense variant. On other transcripts: non-coding transcript variant (1).
Genome position (GRCh38, 1-based): chr7:96,131,790, T>A on the plus strand (A>T on the coding strand, the complement: SLC25A13 is on the minus strand). VCF-style: chr7-96131790-T-A. GRCh37 (hg19) VCF-style: chr7-95761102-T-A.
Other names: c.1547A>T, p.Asp516Val (NM_001160210.2); short protein forms D515V, D516V.
Identifiers: ClinVar variation 3029640 (VCV003029640.2), dbSNP rs766827198, ClinGen allele CA4352881.

ClinVar aggregate classification (germline): Uncertain significance (0 of 4 stars; one submission).

Conditions:
SLC25A13-related disorder. Also called: SLC25A13-related condition.

Allele frequency attached by ClinVar (database versions not stated): gnomAD exomes below 0.00001; ExAC 0.00001; gnomAD 0.00003; TOPMed 0.00003.
gnomAD v4.1: 11 of 1,613,966 alleles (0.00068%); highest among the groups gnomAD compares: African/African-American, 0.013%; no homozygotes.

Submission:

PreventionGenetics, part of Exact Sciences
Classification: Uncertain significance for SLC25A13-related condition. Last evaluated: 2024-02-16. Review status: no assertion criteria provided. Collection method: clinical testing. Allele origin: germline.
Comment: The SLC25A13 c.1544A>T variant is predicted to result in the amino acid substitution p.Asp515Val. To our knowledge, this variant has not been reported in the literature. This variant is reported in 0.012% of alleles in individuals of African descent in gnomAD. At this time, the clinical significance of this variant is uncertain due to the absence of conclusive functional and genetic evidence.